The following is an entry in ClinVar:

NM_001085372.3(UQCC3):c.155A>C (p.Glu52Ala)

Genes: LBHD1 (LBH domain containing 1; minus strand), UQCC3 (ubiquinol-cytochrome c reductase complex assembly factor 3; plus strand). Cytogenetic location: 11q12.3.
Variant type: single nucleotide variant.
Coding change: c.155A>C on transcript NM_001085372.3 (MANE Select); coding-DNA position 155, A replaced by C.
Protein change: p.Glu52Ala; replaces glutamic acid 52 with alanine.
Molecular consequence: missense variant. On other transcripts: 5 prime UTR variant (12).
Genome position (GRCh38, 1-based): chr11:62,671,987, A>C. VCF-style: chr11-62671987-A-C. GRCh37 (hg19) VCF-style: chr11-62439459-A-C.
Other names: c.-434T>G (NM_001367940.2, NM_024099.5); c.-951T>G (NM_001367941.2); c.-240T>G (NM_001394596.1, NM_001394599.1, NM_001394601.1 and 1 more transcripts); c.-482T>G (NM_001394604.1, NM_001394607.1); c.-627T>G (NM_001394609.1); c.-558T>G (NM_001394611.1); c.-882T>G (NM_001394612.1); short protein forms E52A.
Identifiers: ClinVar variation 1981922 (VCV001981922.5), dbSNP rs766527334, ClinGen allele CA6052581.

ClinVar aggregate classification (germline): Uncertain significance. Review status: criteria provided, multiple submitters, no conflicts (2 of 4 stars). 2 submissions from 2 submitters: Uncertain significance (2). Last evaluated 2026-01-13.

Allele frequency attached by ClinVar (database versions not stated): gnomAD 0.00001; gnomAD exomes 0.00001; TOPMed 0.00003; ExAC 0.00004.
gnomAD v4.1: 15 of 1,613,740 alleles (0.00093%); highest among the groups gnomAD compares: Admixed American, 0.018%; no homozygotes.

Submissions (2):

Labcorp Genetics (formerly Invitae), Labcorp
Classification: Uncertain significance. Last evaluated: 2026-01-13. Review status: criteria provided, single submitter. Criteria: Invitae Variant Classification Sherloc (09022015). Collection method: clinical testing. Allele origin: germline.
Comment: This sequence change replaces glutamic acid, which is acidic and polar, with alanine, which is neutral and non-polar, at codon 52 of the UQCC3 protein (p.Glu52Ala). This variant is present in population databases (rs766527334, gnomAD 0.03%). This variant has not been reported in the literature in individuals affected with UQCC3-related conditions. ClinVar contains an entry for this variant (Variation ID: 1981922). An algorithm developed to predict the effect of missense changes on protein structure and function (PolyPhen-2) suggests that this variant is likely to be disruptive. In summary, the available evidence is currently insufficient to determine the role of this variant in disease. Therefore, it has been classified as a Variant of Uncertain Significance.

Ambry Genetics
Classification: Uncertain significance. Last evaluated: 2022-12-16. Review status: criteria provided, single submitter. Criteria: Ambry Variant Classification Scheme 2023. Collection method: clinical testing. Allele origin: germline.